The following is an entry in ClinVar:

NM_001206744.2(TPO):c.1339-2A>G

Gene: TPO (thyroid peroxidase; plus strand). Cytogenetic location: 2p25.3.
Variant type: single nucleotide variant.
Coding change: c.1339-2A>G on transcript NM_001206744.2 (MANE Select); the canonical splice acceptor site of the intron before coding-DNA position 1339, A replaced by G.
Molecular consequence: splice acceptor variant.
Genome position (GRCh38, 1-based): chr2:1,484,594, A>G. VCF-style: chr2-1484594-A-G. GRCh37 (hg19) VCF-style: chr2-1488366-A-G.
Other names: c.1339-2A>G (NM_000547.6, NM_175719.4, NM_001206745.2 and 1 more transcripts); c.820-2A>G (NM_175722.3).
Identifiers: ClinVar variation 2845094 (VCV002845094.3), dbSNP rs2546164198, ClinGen allele CA345695104.

ClinVar aggregate classification (germline): Likely pathogenic (1 of 4 stars; one submission).

Submission:

Labcorp Genetics (formerly Invitae), Labcorp
Classification: Likely pathogenic. Last evaluated: 2023-03-12. Review status: criteria provided, single submitter. Criteria: Invitae Variant Classification Sherloc (09022015). Collection method: clinical testing. Allele origin: germline.
Comment: In summary, the currently available evidence indicates that the variant is pathogenic, but additional data are needed to prove that conclusively. Therefore, this variant has been classified as Likely Pathogenic. Algorithms developed to predict the effect of sequence changes on RNA splicing suggest that this variant may disrupt the consensus splice site. This variant has not been reported in the literature in individuals affected with TPO-related conditions. This variant is not present in population databases (gnomAD no frequency). This sequence change affects an acceptor splice site in intron 8 of the TPO gene. It is expected to disrupt RNA splicing. Variants that disrupt the donor or acceptor splice site typically lead to a loss of protein function (PMID: 16199547), and loss-of-function variants in TPO are known to be pathogenic (PMID: 11061528, 23236987, 25564141).

Literature cited by the submitters: PubMed 16199547; PubMed 11061528; PubMed 23236987; PubMed 25564141.